The following is an entry in ClinVar:

ClinVar aggregate classification (germline): Likely benign (0 of 4 stars; one submission).

Conditions:
ATP8B1-related disorder. Also called: ATP8B1-related condition; ATP8B1-related disorders.

Submission:

PreventionGenetics, part of Exact Sciences
Classification: Likely benign for ATP8B1-related condition. Last evaluated: 2021-11-19. Review status: no assertion criteria provided. Collection method: clinical testing. Allele origin: germline.
Comment: This variant is classified as likely benign based on ACMG/AMP sequence variant interpretation guidelines (Richards et al. 2015 PMID: 25741868, with internal and published modifications).

NM_001374385.1(ATP8B1):c.-61A>T

Gene: ATP8B1 (ATPase phospholipid transporting 8B1; minus strand). Cytogenetic location: 18q21.31.
Variant type: single nucleotide variant.
Coding change: c.-61A>T on transcript NM_001374385.1 (MANE Select); 61 bases upstream of the start codon, A replaced by T.
Molecular consequence: 5 prime UTR variant.
Genome position (GRCh38, 1-based): chr18:57,803,033, T>A on the plus strand (A>T on the coding strand, the complement: ATP8B1 is on the minus strand). VCF-style: chr18-57803033-T-A. GRCh37 (hg19) VCF-style: chr18-55470265-T-A.
Other names: c.-113A>T (NM_001374386.1); c.-58A>T (NM_005603.6).
Identifiers: ClinVar variation 3029438 (VCV003029438.2), dbSNP rs2511532409, ClinGen allele CA2740091815.